The following is an entry in ClinVar:

NM_000368.5(TSC1):c.2637G>C (p.Met879Ile)

Gene: TSC1 (TSC complex subunit 1; minus strand). Cytogenetic location: 9q34.13.
Variant type: single nucleotide variant.
Coding change: c.2637G>C on transcript NM_000368.5 (MANE Select); coding-DNA position 2637, G replaced by C.
Protein change: p.Met879Ile; replaces methionine 879 with isoleucine.
Molecular consequence: missense variant.
Genome position (GRCh38, 1-based): chr9:132,897,599, C>G on the plus strand (G>C on the coding strand, the complement: TSC1 is on the minus strand). VCF-style: chr9-132897599-C-G. GRCh37 (hg19) VCF-style: chr9-135772986-C-G.
Other names: c.2634G>C, p.Met878Ile (NM_001162426.2); c.2484G>C, p.Met828Ile (NM_001162427.2); c.2274G>C, p.Met758Ile (NM_001362177.2); c.2637G>C (NM_000368.4); short protein forms M758I, M828I, M878I, M879I.
Identifiers: ClinVar variation 1000195 (VCV001000195.9), dbSNP rs1554813610, ClinGen allele CA375369687.

ClinVar aggregate classification (germline): Uncertain significance. Review status: criteria provided, multiple submitters, no conflicts (2 of 4 stars). 2 submissions from 2 submitters: Uncertain significance (2). Last evaluated 2023-10-08.

Conditions:
Tuberous sclerosis 1 (TSC1). Identifiers: Orphanet 805, MedGen C1854465, MONDO:0008612, OMIM 191100.
Hereditary cancer-predisposing syndrome. Also called: Hereditary neoplastic syndrome; Neoplastic Syndromes, Hereditary; Tumor predisposition; Hereditary Cancer Syndrome. Identifiers: Orphanet 140162, MedGen C0027672, MeSH D009386, MONDO:0015356.

Allele frequency attached by ClinVar (database versions not stated): gnomAD exomes below 0.00001.
gnomAD v4.1: 2 of 1,027,522 alleles (0.00019%); highest among the groups gnomAD compares: Non-Finnish European, 0.00028%; no homozygotes.

Submissions (2):

Ambry Genetics
Classification: Uncertain significance for Hereditary cancer-predisposing syndrome. Last evaluated: 2023-10-08. Review status: criteria provided, single submitter. Criteria: Ambry Variant Classification Scheme 2023. Collection method: clinical testing. Allele origin: germline.
Comment: The p.M879I variant (also known as c.2637G>C), located in coding exon 19 of the TSC1 gene, results from a G to C substitution at nucleotide position 2637. The methionine at codon 879 is replaced by isoleucine, an amino acid with highly similar properties. This amino acid position is conserved. In addition, the in silico prediction for this alteration is inconclusive. Since supporting evidence is limited at this time, the clinical significance of this alteration remains unclear.

Labcorp Genetics (formerly Invitae), Labcorp
Classification: Uncertain significance for Tuberous sclerosis 1. Last evaluated: 2020-06-26. Review status: criteria provided, single submitter. Criteria: Invitae Variant Classification Sherloc (09022015). Collection method: clinical testing. Allele origin: germline.
Comment: This sequence change replaces methionine with isoleucine at codon 879 of the TSC1 protein (p.Met879Ile). The methionine residue is highly conserved and there is a small physicochemical difference between methionine and isoleucine. This variant is not present in population databases (ExAC no frequency). This variant has not been reported in the literature in individuals with TSC1-related conditions. Algorithms developed to predict the effect of missense changes on protein structure and function (SIFT, PolyPhen-2, Align-GVGD) all suggest that this variant is likely to be tolerated, but these predictions have not been confirmed by published functional studies and their clinical significance is uncertain. In summary, the available evidence is currently insufficient to determine the role of this variant in disease. Therefore, it has been classified as a Variant of Uncertain Significance.